The following is an entry in ClinVar:

GRCh37/hg19 8p12-11.23(chr8:36486830-37992515)x1

Genes: ASH2L (ASH2 like, histone lysine methyltransferase complex subunit; plus strand), BRF2 (BRF2 general transcription factor IIIB subunit; minus strand), EIF4EBP1 (eukaryotic translation initiation factor 4E binding protein 1; plus strand), ERLIN2 (ER lipid raft associated 2; plus strand), GOT1L1 (glutamic-oxaloacetic transaminase 1 like 1; minus strand) and 6 more. Cytogenetic location: 8p12-11.23.
Variant type: copy number loss.
Change: copy number 1 (one copy instead of two) of chr8:36,486,830-37,992,515 (1.51 Mb, GRCh37 coordinates, 1-based), cytogenetic band 8p12-11.23.
Identifiers: ClinVar variation 638118 (VCV000638118.2).

ClinVar aggregate classification (germline): Uncertain significance (1 of 4 stars; one submission).

Submission:

Clinical Genomics Laboratory, Laboratory for Precision Diagnostics, University of Washington
Classification: Uncertain significance. Last evaluated: 2018-10-08. Review status: criteria provided, single submitter. Criteria: Clinical Cytogenomics Laboratory Policy on CNV Interpretation. Collection method: clinical testing. Allele origin: unknown. Affected: yes. Observed: 1 variant allele.

Literature cited by the submitters: PubMed 7586643.